The following is an entry in ClinVar:

NM_005445.4(SMC3):c.2005T>G (p.Tyr669Asp)

Gene: SMC3 (structural maintenance of chromosomes 3; plus strand). Cytogenetic location: 10q25.2.
Variant type: single nucleotide variant.
Coding change: c.2005T>G on transcript NM_005445.4 (MANE Select); coding-DNA position 2005, T replaced by G.
Protein change: p.Tyr669Asp; replaces tyrosine 669 with aspartic acid.
Molecular consequence: missense variant.
Genome position (GRCh38, 1-based): chr10:110,596,439, T>G. VCF-style: chr10-110596439-T-G. GRCh37 (hg19) VCF-style: chr10-112356197-T-G.
Other names: short protein forms Y669D.
Identifiers: ClinVar variation 436822 (VCV000436822.7), dbSNP rs776056911, ClinGen allele CA378391707.

ClinVar aggregate classification (germline): Conflicting classifications of pathogenicity. Review status: criteria provided, conflicting classifications (1 of 4 stars). 2 submissions from 2 submitters: Likely pathogenic (1); Uncertain significance (1). Last evaluated 2025-11-25.

Conditions:
Cornelia de Lange syndrome 3 (CDLS3). Also called: CORNELIA DE LANGE SYNDROME 3 WITH OR WITHOUT MIDLINE BRAIN DEFECTS; SMC3-Related Cornelia de Lange Syndrome. Identifiers: Orphanet 199, MedGen C1853099, MONDO:0012555, OMIM 610759.

Submissions (2):

3billion
Classification: Uncertain significance for Cornelia de Lange syndrome 3. Last evaluated: 2025-11-25. Review status: criteria provided, single submitter. Criteria: ACMG Guidelines, 2015. Collection method: clinical testing. Allele origin: germline. Affected: yes.
Comment: The variant is not observed in the gnomAD v4.1.0 dataset. Predicted Consequence/Location: Missense variant. In silico tool predictions suggest damaging effect of the variant on gene or gene product [REVEL: 0.79 (>=0.6, sensitivity 0.68 and specificity 0.92); 3Cnet: 0.99 (> 0.75, sensitivity 0.96 and precision 0.92)]. The same nucleotide change resulting in the same amino acid change has been previously reported to be associated with SMC3-related disorder (ClinVar ID: VCV000436822). However, the evidence of pathogenicity is insufficient at this time. Therefore, this variant is classified as VUS according to the recommendation of ACMG/AMP guideline.

Genetic Services Laboratory, University of Chicago
Classification: Likely pathogenic for Cornelia de Lange syndrome 3. Last evaluated: 2015-10-15. Review status: criteria provided, single submitter. Criteria: ACMG Guidelines, 2015. Collection method: clinical testing. Allele origin: germline. Affected: yes.